The following is an entry in ClinVar:

ClinVar aggregate classification (germline): Uncertain significance (1 of 4 stars; one submission).

Conditions:
Primary ciliary dyskinesia. Also called: Ciliary dyskinesia. Identifiers: Orphanet 244, MedGen C0008780, MONDO:0016575, HP:0012265.

Submission:

Labcorp Genetics (formerly Invitae), Labcorp
Classification: Uncertain significance for Primary ciliary dyskinesia. Last evaluated: 2024-04-15. Review status: criteria provided, single submitter. Criteria: Invitae Variant Classification Sherloc (09022015). Collection method: clinical testing. Allele origin: germline.
Comment: This sequence change replaces arginine, which is basic and polar, with leucine, which is neutral and non-polar, at codon 1557 of the DNAH11 protein (p.Arg1557Leu). This variant is not present in population databases (gnomAD no frequency). This variant has not been reported in the literature in individuals affected with DNAH11-related conditions. Advanced modeling of protein sequence and biophysical properties (such as structural, functional, and spatial information, amino acid conservation, physicochemical variation, residue mobility, and thermodynamic stability) performed at Invitae indicates that this missense variant is not expected to disrupt DNAH11 protein function with a negative predictive value of 95%. In summary, the available evidence is currently insufficient to determine the role of this variant in disease. Therefore, it has been classified as a Variant of Uncertain Significance.

NM_001277115.2(DNAH11):c.4670G>T (p.Arg1557Leu)

Gene: DNAH11 (dynein axonemal heavy chain 11; plus strand). Cytogenetic location: 7p15.3.
Variant type: single nucleotide variant.
Coding change: c.4670G>T on transcript NM_001277115.2 (MANE Select); coding-DNA position 4670, G replaced by T.
Protein change: p.Arg1557Leu; replaces arginine 1557 with leucine.
Molecular consequence: missense variant.
Genome position (GRCh38, 1-based): chr7:21,636,040, G>T. VCF-style: chr7-21636040-G-T. GRCh37 (hg19) VCF-style: chr7-21675658-G-T.
Other names: short protein forms R1557L.
Identifiers: ClinVar variation 3645586 (VCV003645586.2).